The following is an entry in ClinVar:

ClinVar aggregate classification (germline): Conflicting classifications of pathogenicity. Review status: criteria provided, conflicting classifications (1 of 4 stars). 2 submissions from 2 submitters: Uncertain significance (1); Likely benign (1). Last evaluated 2025-10-07.

Conditions:
Hereditary cancer-predisposing syndrome. Also called: Tumor predisposition; Hereditary Cancer Syndrome; Hereditary neoplastic syndrome; Neoplastic Syndromes, Hereditary. Identifiers: Orphanet 140162, MedGen C0027672, MeSH D009386, MONDO:0015356.

Submissions (2):

Ambry Genetics
Classification: Likely benign for Hereditary cancer-predisposing syndrome. Last evaluated: 2025-10-07. Review status: criteria provided, single submitter. Criteria: Ambry Variant Classification Scheme 2023. Collection method: clinical testing. Allele origin: germline.

GeneDx
Classification: Uncertain significance. Last evaluated: 2023-11-10. Review status: criteria provided, single submitter. Criteria: GeneDx Variant Classification Process June 2021. Collection method: clinical testing. Allele origin: germline. Affected: yes.
Comment: Not observed at significant frequency in large population cohorts (gnomAD); In silico analysis supports that this missense variant does not alter protein structure/function; Observed in an individual with colorectal cancer (PMID: 27978560); This variant is associated with the following publications: (PMID: 27978560)

Literature cited by the submitters: PubMed 40580951 (cited by Ambry Genetics).

NM_000051.4(ATM):c.3781A>G (p.Ile1261Val)

Gene: ATM (ATM serine/threonine kinase; plus strand). Cytogenetic location: 11q22.3.
Variant type: single nucleotide variant.
Coding change: c.3781A>G on transcript NM_000051.4 (MANE Select); coding-DNA position 3781, A replaced by G.
Protein change: p.Ile1261Val; replaces isoleucine 1261 with valine.
Molecular consequence: missense variant.
Genome position (GRCh38, 1-based): chr11:108,284,261, A>G. VCF-style: chr11-108284261-A-G. GRCh37 (hg19) VCF-style: chr11-108154988-A-G.
Other names: c.3781A>G, p.Ile1261Val (NM_001351834.2); short protein forms I1261V.
Identifiers: ClinVar variation 3340387 (VCV003340387.2).